The following is an entry in ClinVar:

ClinVar aggregate classification (germline): Uncertain significance (1 of 4 stars; one submission).

Conditions:
Charcot-Marie-Tooth disease axonal type 2V. Also called: CHARCOT-MARIE-TOOTH NEUROPATHY, TYPE 2V; CHARCOT-MARIE-TOOTH DISEASE, AXONAL, AUTOSOMAL DOMINANT, TYPE 2V. Identifiers: Orphanet 447964, MedGen C5569050, MONDO:0014665, OMIM 616491.
Mucopolysaccharidosis, MPS-III-B (MPS3B). Also called: N-ACETYL-ALPHA-D-GLUCOSAMINIDASE DEFICIENCY; NAGLU DEFICIENCY; SANFILIPPO SYNDROME B; MPS III B; MUCOPOLYSACCHARIDOSIS, TYPE IIIB; MPS IIIB (Sanfilippo Syndrome Type B). Identifiers: Orphanet 79270, MedGen C0086648, MONDO:0009656, OMIM 252920.

Submission:

Labcorp Genetics (formerly Invitae), Labcorp
Classification: Uncertain significance for Charcot-Marie-Tooth disease axonal type 2V; Mucopolysaccharidosis, MPS-III-B. Last evaluated: 2022-07-19. Review status: criteria provided, single submitter. Criteria: Invitae Variant Classification Sherloc (09022015). Collection method: clinical testing. Allele origin: germline.
Comment: This sequence change replaces serine, which is neutral and polar, with asparagine, which is neutral and polar, at codon 66 of the NAGLU protein (p.Ser66Asn). This variant is not present in population databases (gnomAD no frequency). This variant has not been reported in the literature in individuals affected with NAGLU-related conditions. Advanced modeling of protein sequence and biophysical properties (such as structural, functional, and spatial information, amino acid conservation, physicochemical variation, residue mobility, and thermodynamic stability) performed at Invitae indicates that this missense variant is not expected to disrupt NAGLU protein function. In summary, the available evidence is currently insufficient to determine the role of this variant in disease. Therefore, it has been classified as a Variant of Uncertain Significance.

NM_000263.4(NAGLU):c.197G>A (p.Ser66Asn)

Genes: NAGLU (N-acetyl-alpha-glucosaminidase; plus strand), LOC130060903 (ATAC-STARR-seq lymphoblastoid silent region 8533; plus strand). Cytogenetic location: 17q21.2.
Variant type: single nucleotide variant.
Coding change: c.197G>A on transcript NM_000263.4 (MANE Select); coding-DNA position 197, G replaced by A.
Protein change: p.Ser66Asn; replaces serine 66 with asparagine.
Molecular consequence: missense variant.
Genome position (GRCh38, 1-based): chr17:42,536,469, G>A. VCF-style: chr17-42536469-G-A. GRCh37 (hg19) VCF-style: chr17-40688487-G-A.
Other names: short protein forms S66N.
Identifiers: ClinVar variation 2067891 (VCV002067891.1), dbSNP rs540899316, ClinGen allele CA399595609.